The following is an entry in ClinVar:

ClinVar aggregate classification (germline): Uncertain significance. Review status: criteria provided, multiple submitters, no conflicts (2 of 4 stars). 3 submissions from 3 submitters: Uncertain significance (3). Last evaluated 2022-11-21.

Conditions:
Hereditary cancer-predisposing syndrome. Also called: Neoplastic Syndromes, Hereditary; Tumor predisposition; Hereditary neoplastic syndrome; Hereditary Cancer Syndrome. Identifiers: Orphanet 140162, MedGen C0027672, MeSH D009386, MONDO:0015356.
Familial adenomatous polyposis 1 (FAP1). Also called: POLYPOSIS, ADENOMATOUS INTESTINAL; FAMILIAL ADENOMATOUS POLYPOSIS 1, ATTENUATED. Identifiers: MedGen C2713442, MONDO:0021056, OMIM 175100. Disease mechanism: loss of function.

Submissions (3):

Color Diagnostics, LLC DBA Color Health
Classification: Uncertain significance for Hereditary cancer-predisposing syndrome. Last evaluated: 2022-11-21. Review status: criteria provided, single submitter. Criteria: ACMG Guidelines, 2015. Collection method: clinical testing. Allele origin: germline.
Comment: This missense variant replaces glycine with valine at codon 1534 of the APC protein. Computational prediction suggests that this variant may not impact protein structure and function (internally defined REVEL score threshold <= 0.5, PMID: 27666373). To our knowledge, functional studies have not been reported for this variant. This variant has not been reported in individuals affected with APC-related disorders in the literature. This variant has not been identified in the general population by the Genome Aggregation Database (gnomAD). The available evidence is insufficient to determine the role of this variant in disease conclusively. Therefore, this variant is classified as a Variant of Uncertain Significance.

Labcorp Genetics (formerly Invitae), Labcorp
Classification: Uncertain significance for Familial adenomatous polyposis 1. Last evaluated: 2021-07-14. Review status: criteria provided, single submitter. Criteria: Invitae Variant Classification Sherloc (09022015). Collection method: clinical testing. Allele origin: germline.
Comment: This sequence change replaces glycine with valine at codon 1534 of the APC protein (p.Gly1534Val). The glycine residue is highly conserved and there is a moderate physicochemical difference between glycine and valine. This variant is not present in population databases (ExAC no frequency). This variant has not been reported in the literature in individuals affected with APC-related conditions. ClinVar contains an entry for this variant (Variation ID: 825036). Algorithms developed to predict the effect of missense changes on protein structure and function output the following: SIFT: "Tolerated"; PolyPhen-2: "Benign"; Align-GVGD: "Class C0". The valine amino acid residue is found in multiple mammalian species, which suggests that this missense change does not adversely affect protein function. In summary, the available evidence is currently insufficient to determine the role of this variant in disease. Therefore, it has been classified as a Variant of Uncertain Significance.

Ambry Genetics
Classification: Uncertain significance for Hereditary cancer-predisposing syndrome. Last evaluated: 2019-07-02. Review status: criteria provided, single submitter. Criteria: Ambry Variant Classification Scheme 2023. Collection method: clinical testing. Allele origin: germline.
Comment: The p.G1534V variant (also known as c.4601G>T), located in coding exon 15 of the APC gene, results from a G to T substitution at nucleotide position 4601. The glycine at codon 1534 is replaced by valine, an amino acid with dissimilar properties. This amino acid position is well conserved in available vertebrate species. In addition, in silico predictors for this gene do not accurately predict pathogenicity. Since supporting evidence is limited at this time, the clinical significance of this alteration remains unclear.

NM_000038.6(APC):c.4601G>T (p.Gly1534Val)

Gene: APC (APC regulator of Wnt signaling pathway; plus strand). Cytogenetic location: 5q22.2.
Variant type: single nucleotide variant.
Coding change: c.4601G>T on transcript NM_000038.6 (MANE Select); coding-DNA position 4601, G replaced by T.
Protein change: p.Gly1534Val; replaces glycine 1534 with valine.
Molecular consequence: missense variant.
Genome position (GRCh38, 1-based): chr5:112,840,195, G>T. VCF-style: chr5-112840195-G-T. GRCh37 (hg19) VCF-style: chr5-112175892-G-T.
Other names: c.4601G>T, p.Gly1534Val (NM_001127510.3, NM_001354895.2); c.4547G>T, p.Gly1516Val (NM_001127511.3); c.4655G>T, p.Gly1552Val (NM_001354896.2); c.4631G>T, p.Gly1544Val (NM_001354897.2); c.4526G>T, p.Gly1509Val (NM_001354898.2); c.4517G>T, p.Gly1506Val (NM_001354899.2); c.4478G>T, p.Gly1493Val (NM_001354900.2); c.4424G>T, p.Gly1475Val (NM_001354901.2); and 5 more; short protein forms G1408V, G1493V, G1506V, G1509V, G1374V, G1433V, G1534V, G1544V.
Identifiers: ClinVar variation 825036 (VCV000825036.14), dbSNP rs1580650151, ClinGen allele CA16031411.